The following is an entry in ClinVar:

ClinVar aggregate classification (germline): Uncertain significance (1 of 4 stars; one submission).

Conditions:
Achondrogenesis, type IA (ACG1A). Identifiers: Orphanet 932, Orphanet 93299, MedGen C0265273, MONDO:0008701, OMIM 200600.

Allele frequency attached by ClinVar (database versions not stated): gnomAD exomes 0.00002; TOPMed 0.00003; gnomAD 0.00005.

Submission:

Labcorp Genetics (formerly Invitae), Labcorp
Classification: Uncertain significance for Achondrogenesis, type IA. Last evaluated: 2022-11-08. Review status: criteria provided, single submitter. Criteria: Invitae Variant Classification Sherloc (09022015). Collection method: clinical testing. Allele origin: germline.
Comment: In summary, the available evidence is currently insufficient to determine the role of this variant in disease. Therefore, it has been classified as a Variant of Uncertain Significance. Advanced modeling of protein sequence and biophysical properties (such as structural, functional, and spatial information, amino acid conservation, physicochemical variation, residue mobility, and thermodynamic stability) performed at Invitae indicates that this missense variant is not expected to disrupt TRIP11 protein function. ClinVar contains an entry for this variant (Variation ID: 1372907). This variant has not been reported in the literature in individuals affected with TRIP11-related conditions. This variant is present in population databases (rs745781387, gnomAD 0.005%). This sequence change replaces lysine, which is basic and polar, with asparagine, which is neutral and polar, at codon 681 of the TRIP11 protein (p.Lys681Asn).

NM_004239.4(TRIP11):c.2043G>T (p.Lys681Asn)

Gene: TRIP11 (thyroid hormone receptor interactor 11; minus strand). Cytogenetic location: 14q32.12.
Variant type: single nucleotide variant.
Coding change: c.2043G>T on transcript NM_004239.4 (MANE Select); coding-DNA position 2043, G replaced by T.
Protein change: p.Lys681Asn; replaces lysine 681 with asparagine.
Molecular consequence: missense variant.
Genome position (GRCh38, 1-based): chr14:92,005,933, C>A on the plus strand (G>T on the coding strand, the complement: TRIP11 is on the minus strand). VCF-style: chr14-92005933-C-A. GRCh37 (hg19) VCF-style: chr14-92472277-C-A.
Other names: c.2040G>T, p.Lys680Asn (NM_001321851.1); short protein forms K681N, K680N.
Identifiers: ClinVar variation 1372907 (VCV001372907.4), dbSNP rs745781387, ClinGen allele CA7313840.